The following is an entry in ClinVar:

ClinVar aggregate classification (germline): Uncertain significance. Review status: criteria provided, multiple submitters, no conflicts (2 of 4 stars). 3 submissions from 3 submitters: Uncertain significance (2). 1 of the submissions does not count toward it. Last evaluated 2022-11-01.

Conditions:
Hereditary cancer-predisposing syndrome. Also called: Neoplastic Syndromes, Hereditary; Tumor predisposition; Hereditary Cancer Syndrome; Hereditary neoplastic syndrome. Identifiers: Orphanet 140162, MedGen C0027672, MeSH D009386, MONDO:0015356.
Familial cancer of breast. Also called: BREAST CANCER, FAMILIAL; hereditary breast carcinoma; Hereditary breast cancer. Identifiers: Orphanet 227535, MedGen C0346153, MONDO:0016419, OMIM 114480. Disease mechanism: loss of function.

Submissions (3):

Labcorp Genetics (formerly Invitae), Labcorp
Classification: Uncertain significance for Familial cancer of breast. Last evaluated: 2022-11-01. Review status: criteria provided, single submitter. Criteria: Invitae Variant Classification Sherloc (09022015). Collection method: clinical testing. Allele origin: germline.
Comment: In summary, the available evidence is currently insufficient to determine the role of this variant in disease. Therefore, it has been classified as a Variant of Uncertain Significance. ClinVar contains an entry for this variant (Variation ID: 233999). This variant has not been reported in the literature in individuals affected with PALB2-related conditions. This variant is not present in population databases (gnomAD no frequency). This variant, c.964_975dup, results in the insertion of 4 amino acid(s) of the PALB2 protein (p.Glu322_Ile325dup), but otherwise preserves the integrity of the reading frame.

Ambry Genetics
Classification: Uncertain significance for Hereditary cancer-predisposing syndrome. Last evaluated: 2015-09-16. Review status: criteria provided, single submitter. Criteria: Ambry Variant Classification Scheme 2023. Collection method: clinical testing. Allele origin: germline.
Comment: The c.964_975dup12 variant (also known as p.E322_I325dup), located in coding exon 4 of the PALB2 gene, results from an in-frame duplication of 12 nucleotides (GAGGCAAATATT) between positions 964 and 975. This results in the duplication of 4 extra residues (EANI) between codons 322 and 325. This variant was not reported in population based cohorts in the following databases: Database of Single Nucleotide Polymorphisms (dbSNP), NHLBI Exome Sequencing Project (ESP), and 1000 Genomes Project. In the ESP, this variant was not observed in 6496 samples (12992 alleles) with coverage at this position. To date, this alteration has been detected with an allele frequency of approximately 0.001% (greater than 70000 alleles tested) in our clinical cohort. Since supporting evidence is limited at this time, the clinical significance of c.964_975dup12 remains unclear.

Counsyl
Classification: Uncertain significance for Familial cancer of breast. Last evaluated: 2016-05-03. Review status: no assertion criteria provided. Collection method: clinical testing. Allele origin: unknown. Not counted in ClinVar's aggregate classification.

NM_024675.4(PALB2):c.964_975dup (p.Glu322_Ile325dup)

Gene: PALB2 (partner and localizer of BRCA2; minus strand). Cytogenetic location: 16p12.2.
Variant type: Duplication.
Coding change: c.964_975dup on transcript NM_024675.4 (MANE Select); coding-DNA positions 964 to 975, 12 bases duplicated (GAGGCAAATATT).
Protein change: p.Glu322_Ile325dup.
Molecular consequence: inframe insertion.
Genome position (GRCh38, 1-based): chr16:23,635,571-23,635,582, AATATTTGCCTC duplicated on the plus strand (GAGGCAAATATT on the coding strand, the reverse complement: PALB2 is on the minus strand). VCF-style (leftmost placement, unchanged base first): chr16-23635570-A-AAATATTTGCCTC. GRCh37 (hg19) VCF-style: chr16-23646891-A-AAATATTTGCCTC.
Other names: c.964_975dupGAGGCAAATATT (NM_024675.3).
Identifiers: ClinVar variation 233999 (VCV000233999.11), dbSNP rs876660786, ClinGen allele CA10580026.